The following is an entry in ClinVar:

NM_000091.5(COL4A3):c.4615A>T (p.Arg1539Ter)

Genes: COL4A3 (collagen type IV alpha 3 chain; plus strand), MFF-DT (MFF divergent transcript; minus strand). Cytogenetic location: 2q36.3.
Variant type: single nucleotide variant.
Coding change: c.4615A>T on transcript NM_000091.5 (MANE Select); coding-DNA position 4615, A replaced by T.
Protein change: p.Arg1539Ter; replaces arginine 1539 with a stop codon.
Molecular consequence: nonsense.
Genome position (GRCh38, 1-based): chr2:227,309,051, A>T. VCF-style: chr2-227309051-A-T. GRCh37 (hg19) VCF-style: chr2-228173767-A-T.
Other names: short protein forms R1539*.
Identifiers: ClinVar variation 1724947 (VCV001724947.2), dbSNP rs2469937744, ClinGen allele CA350865333.
Genomic context (GRCh38, chr2:227,309,051, plus strand): 5'-TATTCATACTGGCTGTCAACACCAGCTCTGATGCCAATGAACATGGCTCCCATTACTGGC[A>T]GAGCCCTTGAGCCTTATATAAGCAGGTAAAAATCCAATCCCCTAGTTTTACAATGGGACC-3'

ClinVar aggregate classification (germline): Likely pathogenic (1 of 4 stars; one submission).

Conditions:
Autosomal recessive Alport syndrome (ATS2). Also called: COL4A3-Related Nephropathy; COL4A4 Alport Syndrome and Thin Basement Membrane Nephropathy; ALPORT SYNDROME 2, AUTOSOMAL RECESSIVE; Alport syndrome type 2. Identifiers: Orphanet 63, Orphanet 88919, MedGen C4746745, MONDO:0008762, OMIM 203780.

Submission:

Myriad Genetics, Inc.
Classification: Likely pathogenic for Autosomal recessive Alport syndrome. Last evaluated: 2022-03-03. Review status: criteria provided, single submitter. Criteria: Myriad Women's Health Autosomal Recessive and X-Linked Classification Criteria (2021). Collection method: clinical testing. Allele origin: unknown.
Comment: NM_000091.4(COL4A3):c.4615A>T(R1539*) is expected to be pathogenic in the context of COL4A3-related Alport syndrome. This variant is predicted to lead to an abnormal or absent protein product due to the creation of a premature termination codon in COL4A3, a gene where loss-of-function variants are known to be pathogenic. Please note: this variant was assessed in the context of healthy population screening.